The following is an entry in ClinVar:

NM_000038.6(APC):c.5901_5916del (p.Ser1968fs)

Gene: APC (APC regulator of Wnt signaling pathway; plus strand). Cytogenetic location: 5q22.2.
Variant type: Deletion.
Coding change: c.5901_5916del on transcript NM_000038.6 (MANE Select); coding-DNA positions 5901 to 5916, 16 bases deleted (CTCTCTGAGTTCTCTC).
Protein change: p.Ser1968fs; shifts the reading frame from serine 1968.
Molecular consequence: frameshift variant. On other transcripts: non-coding transcript variant (2).
Genome position (GRCh38, 1-based): chr5:112,841,495-112,841,510, CTCTCTGAGTTCTCTC deleted; deleting any 16 consecutive bases within chr5:112,841,493-112,841,510 gives the same sequence; the c. name uses the placement nearest the transcript's 3' end. VCF-style (leftmost placement, unchanged base first): chr5-112841492-TTCCTCTCTGAGTTCTC-T. GRCh37 (hg19) VCF-style: chr5-112177189-TTCCTCTCTGAGTTCTC-T.
Other names: c.5901_5916del, p.Ser1968fs (NM_001127510.3, NM_001354895.2, NM_001407450.1); c.5847_5862del, p.Ser1950fs (NM_001127511.3); c.5955_5970del, p.Ser1986fs (NM_001354896.2, NM_001407447.1, NM_001407448.1 and 1 more transcripts); c.5931_5946del, p.Ser1978fs (NM_001354897.2); c.5826_5841del, p.Ser1943fs (NM_001354898.2); c.5817_5832del, p.Ser1940fs (NM_001354899.2); c.5778_5793del, p.Ser1927fs (NM_001354900.2); c.5724_5739del, p.Ser1909fs (NM_001354901.2, NM_001407453.1); and 11 more; short protein forms S1584fs, S1685fs, S1808fs, S1839fs, S1842fs, S1867fs, S1877fs, S1885fs.
Identifiers: ClinVar variation 2583357 (VCV002583357.4), dbSNP rs2533675892, ClinGen allele CA2582341485.

ClinVar aggregate classification (germline): Pathogenic. Review status: criteria provided, multiple submitters, no conflicts (2 of 4 stars). 2 submissions from 2 submitters: Pathogenic (2). Last evaluated 2024-11-13.

Conditions:
Familial adenomatous polyposis 1 (FAP1). Also called: POLYPOSIS, ADENOMATOUS INTESTINAL; FAMILIAL ADENOMATOUS POLYPOSIS 1, ATTENUATED. Identifiers: MedGen C2713442, MONDO:0021056, OMIM 175100. Disease mechanism: loss of function.

Submissions (2):

Labcorp Genetics (formerly Invitae), Labcorp
Classification: Pathogenic for Familial adenomatous polyposis 1. Last evaluated: 2024-11-13. Review status: criteria provided, single submitter. Criteria: Invitae Variant Classification Sherloc (09022015). Collection method: clinical testing. Allele origin: germline.
Comment: This sequence change creates a premature translational stop signal (p.Ser1968Valfs*71) in the APC gene. While this is not anticipated to result in nonsense mediated decay, it is expected to disrupt the last 876 amino acid(s) of the APC protein. This variant is not present in population databases (gnomAD no frequency). This variant has not been reported in the literature in individuals affected with APC-related conditions. ClinVar contains an entry for this variant (Variation ID: 2583357). This variant disrupts a region of the APC protein in which other variant(s) (p.Tyr2645Lysfs*14) have been determined to be pathogenic (PMID: 1316610, 8381579, 9824584, 22135120, 27081525; Internal data). This suggests that this is a clinically significant region of the protein, and that variants that disrupt it are likely to be disease-causing. For these reasons, this variant has been classified as Pathogenic.

Myriad Genetics, Inc.
Classification: Pathogenic for Familial adenomatous polyposis 1. Last evaluated: 2023-05-15. Review status: criteria provided, single submitter. Criteria: Myriad Autosomal Dominant, Autosomal Recessive and X-Linked Classification Criteria (2023). Collection method: clinical testing. Allele origin: unknown.
Comment: This variant is considered pathogenic. This variant creates a frameshift predicted to result in premature protein truncation.

Literature cited by the submitters: PubMed 1316610 (cited by Labcorp Genetics (formerly Invitae), Labcorp); PubMed 8381579 (cited by Labcorp Genetics (formerly Invitae), Labcorp); PubMed 9824584 (cited by Labcorp Genetics (formerly Invitae), Labcorp); PubMed 22135120 (cited by Labcorp Genetics (formerly Invitae), Labcorp); PubMed 27081525 (cited by Labcorp Genetics (formerly Invitae), Labcorp).